The following is an entry in ClinVar:

ClinVar aggregate classification (germline): Uncertain significance (1 of 4 stars; one submission).

Conditions:
Cardiovascular phenotype. Identifiers: MedGen CN230736.

Allele frequency attached by ClinVar (database versions not stated): gnomAD exomes below 0.00001.
gnomAD v4.1: 3 of 1,574,532 alleles (0.00019%); highest among the groups gnomAD compares: Non-Finnish European, 0.00026%; no homozygotes.

Submission:

Ambry Genetics
Classification: Uncertain significance for Cardiovascular phenotype. Last evaluated: 2022-05-30. Review status: criteria provided, single submitter. Criteria: Ambry Variant Classification Scheme 2023. Collection method: clinical testing. Allele origin: germline.
Comment: The p.K3444N variant (also known as c.10332G>T), located in coding exon 30 of the TNXB gene, results from a G to T substitution at nucleotide position 10332. The lysine at codon 3444 is replaced by asparagine, an amino acid with similar properties. This amino acid position is conserved. In addition, this alteration is predicted to be tolerated by in silico analysis. Since supporting evidence is limited at this time, the clinical significance of this alteration remains unclear.

NM_001365276.2(TNXB):c.10338G>T (p.Lys3446Asn)

Gene: TNXB (tenascin XB; minus strand). Cytogenetic location: 6p21.33.
Variant type: single nucleotide variant.
Coding change: c.10338G>T on transcript NM_001365276.2 (MANE Select); coding-DNA position 10338, G replaced by T.
Protein change: p.Lys3446Asn; replaces lysine 3446 with asparagine.
Molecular consequence: missense variant.
Genome position (GRCh38, 1-based): chr6:32,046,443, C>A on the plus strand (G>T on the coding strand, the complement: TNXB is on the minus strand). VCF-style: chr6-32046443-C-A. GRCh37 (hg19) VCF-style: chr6-32014220-C-A.
Other names: c.10332G>T, p.Lys3444Asn (NM_019105.8); short protein forms K3444N, K3446N.
Identifiers: ClinVar variation 1771721 (VCV001771721.2), dbSNP rs1215679391, ClinGen allele CA363529432.